The following is an entry in ClinVar:

ClinVar aggregate classification (germline): Uncertain significance (1 of 4 stars; one submission).

Conditions:
Chilton-Okur-Chung neurodevelopmental syndrome (CHOCNS). Identifiers: MedGen C5677022, MONDO:0859239, OMIM 619841.

gnomAD v4.1: 22 of 1,614,140 alleles (0.0014%); highest among the groups gnomAD compares: Non-Finnish European, 0.0019%; no homozygotes.

Submission:

Clinical Genomics Laboratory, Washington University in St. Louis
Classification: Uncertain significance for Chilton-Okur-Chung neurodevelopmental syndrome. Last evaluated: 2025-12-18. Review status: criteria provided, single submitter. Criteria: ACMG Guidelines, 2015. Collection method: clinical testing. Allele origin: germline.
Comment: The CDC42BPB c.1836G>A (p.Val612=) variant, to our knowledge, has not been reported in the medical literature. This variant is absent from the general population (gnomAD v2.1.1), indicating it is not a common variant. Computational predictors indicate that this variant would alter splicing by creating a novel donor site, evidence that correlates to an impact of this variant CDC42BPB function. If the novel donor site is utilized, an in frame deletion of Val612-Glu628 of a coiled-coil domain would be predicted. Due to limited information, and based on ACMG/AMP guidelines for variant interpretation (Richards S et al., PMID: 25741868), the clinical significance of this variant is uncertain at this time.

NM_006035.4(CDC42BPB):c.1836G>A (p.Val612=)

Gene: CDC42BPB (CDC42 binding protein kinase beta; minus strand). Cytogenetic location: 14q32.32.
Variant type: single nucleotide variant.
Coding change: c.1836G>A on transcript NM_006035.4 (MANE Select); coding-DNA position 1836, G replaced by A.
Protein change: p.Val612=; no amino-acid change (valine 612 retained).
Molecular consequence: synonymous variant.
Genome position (GRCh38, 1-based): chr14:102,971,967, C>T on the plus strand (G>A on the coding strand, the complement: CDC42BPB is on the minus strand). VCF-style: chr14-102971967-C-T. GRCh37 (hg19) VCF-style: chr14-103438304-C-T.
Other names: c.1836G>A, p.Val612= (NM_001411054.1).
Identifiers: ClinVar variation 4879321 (VCV004879321.1).